The following is an entry in ClinVar:

ClinVar aggregate classification (germline): Benign/Likely benign. Review status: criteria provided, multiple submitters, no conflicts (2 of 4 stars). 4 submissions from 4 submitters: Benign (3); Likely benign (1). Last evaluated 2026-01-22.

Conditions:
Hyper-IgM syndrome type 1. Also called: CD40 Ligand Deficiency; X-linked hyper-IgM syndrome; Immunodeficiency, X-linked, with hyper-IgM; Hyper-IgM Immunodeficiency Syndrome, Type 1. Identifiers: Orphanet 101088, MedGen C0398689, MONDO:0010626, OMIM 308230.

Allele frequency attached by ClinVar (database versions not stated): gnomAD exomes 0.00029 and 0.00083; ExAC 0.00105; gnomAD 0.00296 and 0.00313; ESP Exome Variant Server 0.00322; TOPMed 0.00349; 1000 Genomes Project 30x 0.00375; 1000 Genomes Project 0.00397.
gnomAD v4.1: 662 of 1,203,293 alleles (0.055%); highest among the groups gnomAD compares: African/African-American, 1.1%; 5 homozygotes.

Submissions (4):

Labcorp Genetics (formerly Invitae), Labcorp
Classification: Benign for Hyper-IgM syndrome type 1. Last evaluated: 2026-01-22. Review status: criteria provided, single submitter. Criteria: Invitae Variant Classification Sherloc (09022015). Collection method: clinical testing. Allele origin: germline.

Mayo Clinic Laboratories, Mayo Clinic
Classification: Benign. Last evaluated: 2025-01-31. Review status: criteria provided, single submitter. Criteria: ACMG Guidelines, 2015. Collection method: clinical testing. Allele origin: germline. Observed: 2 variant alleles.
Comment: BS1, BS2, BP4, BP7

Blueprint Genetics
Classification: Likely benign. Last evaluated: 2024-07-15. Review status: criteria provided, single submitter. Criteria: ACMG Guidelines, 2015. Collection method: clinical testing. Allele origin: germline.

Breakthrough Genomics
Classification: Benign. Review status: criteria provided, single submitter. Criteria: ACMG Guidelines, 2015. Collection method: not provided. Allele origin: germline. Inheritance: X-linked inheritance. Affected: yes.

NM_000074.3(CD40LG):c.81A>G (p.Leu27=)

Gene: CD40LG (CD40 ligand; plus strand). Cytogenetic location: Xq26.3.
Variant type: single nucleotide variant.
Coding change: c.81A>G on transcript NM_000074.3 (MANE Select); coding-DNA position 81, A replaced by G.
Protein change: p.Leu27=; no amino-acid change (leucine 27 retained).
Molecular consequence: synonymous variant.
Genome position (GRCh38, 1-based): chrX:136,648,329, A>G. VCF-style: chrX-136648329-A-G. GRCh37 (hg19) VCF-style: chrX-135730488-A-G.
Other names: p.Leu27=.
Identifiers: ClinVar variation 530673 (VCV000530673.15), dbSNP rs36063307, ClinGen allele CA10528068.
Genomic context (GRCh38, chrX:136,648,329, plus strand): 5'-AACTTCTCCCCGATCTGCGGCCACTGGACTGCCCATCAGCATGAAAATTTTTATGTATTT[A>G]CTTACTGTTTTTCTTATCACCCAGATGATTGGGTCAGCACTTTTTGCTGTGTATCTTCAT-3'
Protein context (NP_000065.1, residues 17-37): LPISMKIFMY[Leu27=]LTVFLITQMI